The following is an entry in ClinVar:

ClinVar aggregate classification (germline): Uncertain significance (1 of 4 stars; one submission).

Conditions:
Nemaline myopathy 2 (NEM2). Also called: Nemaline myopathy 2, autosomal recessive. Identifiers: MedGen C1850569, MONDO:0009725, OMIM 256030.

Allele frequency attached by ClinVar (database versions not stated): ExAC 0.00001; TOPMed 0.00002.
gnomAD v4.1: 8 of 1,613,928 alleles (0.0005%); highest among the groups gnomAD compares: Admixed American, 0.013%; no homozygotes.

Submission:

Labcorp Genetics (formerly Invitae), Labcorp
Classification: Uncertain significance for Nemaline myopathy 2. Last evaluated: 2022-07-28. Review status: criteria provided, single submitter. Criteria: Invitae Variant Classification Sherloc (09022015). Collection method: clinical testing. Allele origin: germline.
Comment: This sequence change replaces valine, which is neutral and non-polar, with methionine, which is neutral and non-polar, at codon 3188 of the NEB protein (p.Val3188Met). This variant is present in population databases (rs773150011, gnomAD 0.02%). This variant has not been reported in the literature in individuals affected with NEB-related conditions. Algorithms developed to predict the effect of missense changes on protein structure and function are either unavailable or do not agree on the potential impact of this missense change (SIFT: "Deleterious"; PolyPhen-2: "Not Available"; Align-GVGD: "Class C0"). In summary, the available evidence is currently insufficient to determine the role of this variant in disease. Therefore, it has been classified as a Variant of Uncertain Significance.

NM_001164508.2(NEB):c.9562G>A (p.Val3188Met)

Gene: NEB (nebulin; minus strand). Cytogenetic location: 2q23.3.
Variant type: single nucleotide variant.
Coding change: c.9562G>A on transcript NM_001164508.2 (MANE Select); coding-DNA position 9562, G replaced by A.
Protein change: p.Val3188Met; replaces valine 3188 with methionine.
Molecular consequence: missense variant. On other transcripts: intron variant (1).
Genome position (GRCh38, 1-based): chr2:151,631,199, C>T on the plus strand (G>A on the coding strand, the complement: NEB is on the minus strand). VCF-style: chr2-151631199-C-T. GRCh37 (hg19) VCF-style: chr2-152487713-C-T.
Other names: c.9562G>A, p.Val3188Met (NM_001164507.2, NM_001271208.2); c.8854-21G>A (NM_004543.5); short protein forms V3188M.
Identifiers: ClinVar variation 2174695 (VCV002174695.1), dbSNP rs773150011, ClinGen allele CA1909280.
Genomic context (GRCh38, chr2:151,631,199, plus strand): 5'-TCACCTTATTCATGTTGAGAGCATTGTTCTTGGCCAGCACCTGCTCTAGAGAATCAGTCA[C>T]ACTGGTAAATTTCAGCTTGTCCGGAGGCTGGCGGTAGATGTTATCACTCAGTATTTCGGT-3'
Protein context (NP_001157980.2, residues 3178-3198): QPPDKLKFTS[Val3188Met]TDSLEQVLAK